The following is an entry in ClinVar:

ClinVar aggregate classification (germline): Uncertain significance (1 of 4 stars; one submission).

Submission:

Labcorp Genetics (formerly Invitae), Labcorp
Classification: Uncertain significance. Last evaluated: 2025-04-30. Review status: criteria provided, single submitter. Criteria: Invitae Variant Classification Sherloc (09022015). Collection method: clinical testing. Allele origin: germline.
Comment: This sequence change replaces proline, which is neutral and non-polar, with threonine, which is neutral and polar, at codon 50 of the RBP4 protein (p.Pro50Thr). This variant is not present in population databases (gnomAD no frequency). This variant has not been reported in the literature in individuals affected with RBP4-related conditions. An algorithm developed to predict the effect of missense changes on protein structure and function (PolyPhen-2) suggests that this variant is likely to be disruptive. In summary, the available evidence is currently insufficient to determine the role of this variant in disease. Therefore, it has been classified as a Variant of Uncertain Significance.

NM_006744.4(RBP4):c.148C>A (p.Pro50Thr)

Gene: RBP4 (retinol binding protein 4; minus strand). Cytogenetic location: 10q23.33.
Variant type: single nucleotide variant.
Coding change: c.148C>A on transcript NM_006744.4 (MANE Select); coding-DNA position 148, C replaced by A.
Protein change: p.Pro50Thr; replaces proline 50 with threonine.
Molecular consequence: missense variant.
Genome position (GRCh38, 1-based): chr10:93,600,767, G>T on the plus strand (C>A on the coding strand, the complement: RBP4 is on the minus strand). VCF-style: chr10-93600767-G-T. GRCh37 (hg19) VCF-style: chr10-95360524-G-T.
Other names: c.148C>A, p.Pro50Thr (NM_001323517.1); c.142C>A, p.Pro48Thr (NM_001323518.2); short protein forms P48T, P50T.
Identifiers: ClinVar variation 4718657 (VCV004718657.1).